The following is an entry in ClinVar:

NM_172362.3(KCNH1):c.2832G>A (p.Met944Ile)

Gene: KCNH1 (potassium voltage-gated channel subfamily H member 1; minus strand). Cytogenetic location: 1q32.2.
Variant type: single nucleotide variant.
Coding change: c.2832G>A on transcript NM_172362.3 (MANE Select); coding-DNA position 2832, G replaced by A.
Protein change: p.Met944Ile; replaces methionine 944 with isoleucine.
Molecular consequence: missense variant.
Genome position (GRCh38, 1-based): chr1:210,683,419, C>T on the plus strand (G>A on the coding strand, the complement: KCNH1 is on the minus strand). VCF-style: chr1-210683419-C-T. GRCh37 (hg19) VCF-style: chr1-210856761-C-T.
Other names: c.2751G>A, p.Met917Ile (NM_002238.4); short protein forms M917I, M944I.
Identifiers: ClinVar variation 2875597 (VCV002875597.3), dbSNP rs749178660, ClinGen allele CA1379577.
Genomic context (GRCh38, chr1:210,683,419, plus strand): 5'-AGAGGATCTTCTGGAAGTTAATATCCTGAGTATCTCAGAGAGCTGTTTCTCAATATTGGT[C>T]ATTTTGGCGTTTAAGGCCTTGATGTCCTCCTTCAGCTCGTGCCTCACCTCCAGGACTGTG-3'
Protein context (NP_758872.1, residues 934-954): KEDIKALNAK[Met944Ile]TNIEKQLSEI

ClinVar aggregate classification (germline): Uncertain significance (1 of 4 stars; one submission).

Allele frequency attached by ClinVar (database versions not stated): ExAC 0.00001; gnomAD exomes 0.00001.
gnomAD v4.1: 11 of 1,614,106 alleles (0.00068%); highest among the groups gnomAD compares: South Asian, 0.0088%; no homozygotes.

Submission:

Labcorp Genetics (formerly Invitae), Labcorp
Classification: Uncertain significance. Last evaluated: 2023-09-10. Review status: criteria provided, single submitter. Criteria: Invitae Variant Classification Sherloc (09022015). Collection method: clinical testing. Allele origin: germline.
Comment: This sequence change replaces methionine, which is neutral and non-polar, with isoleucine, which is neutral and non-polar, at codon 944 of the KCNH1 protein (p.Met944Ile). This variant is present in population databases (rs749178660, gnomAD 0.01%). This variant has not been reported in the literature in individuals affected with KCNH1-related conditions. Advanced modeling of protein sequence and biophysical properties (such as structural, functional, and spatial information, amino acid conservation, physicochemical variation, residue mobility, and thermodynamic stability) has been performed at Invitae for this missense variant, however the output from this modeling did not meet the statistical confidence thresholds required to predict the impact of this variant on KCNH1 protein function. In summary, the available evidence is currently insufficient to determine the role of this variant in disease. Therefore, it has been classified as a Variant of Uncertain Significance.